The following is an entry in ClinVar:

NM_000051.4(ATM):c.8850+13A>C

Genes: ATM (ATM serine/threonine kinase; plus strand), C11orf65 (chromosome 11 open reading frame 65; minus strand). Cytogenetic location: 11q22.3.
Variant type: single nucleotide variant.
Coding change: c.8850+13A>C on transcript NM_000051.4 (MANE Select); 13 bases into the intron after coding-DNA position 8850, A replaced by C.
Molecular consequence: intron variant.
Genome position (GRCh38, 1-based): chr11:108,354,887, A>C. VCF-style: chr11-108354887-A-C. GRCh37 (hg19) VCF-style: chr11-108225614-A-C.
Other names: c.8850+13A>C (NM_001351834.2); c.640+31033T>G (NM_001330368.2); c.695-19595T>G (NM_001351110.2).
Identifiers: ClinVar variation 2750398 (VCV002750398.3), dbSNP rs2089708352, ClinGen allele CA1998821221.

ClinVar aggregate classification (germline): Uncertain significance (1 of 4 stars; one submission).

Conditions:
Ataxia-telangiectasia syndrome (AT). Also called: LOUIS-BAR SYNDROME; Cerebello-oculocutaneous telangiectasia; Immunodeficiency with ataxia telangiectasia; Ataxia telangiectasia (A-T); Ataxia-telangiectasia, complementation group D; AT, COMPLEMENTATION GROUP C. Identifiers: Orphanet 100, MedGen C0004135, MONDO:0008840, OMIM 208900.

Allele frequency attached by ClinVar (database versions not stated): TOPMed below 0.00001.

Submission:

Labcorp Genetics (formerly Invitae), Labcorp
Classification: Uncertain significance for Ataxia-telangiectasia syndrome. Last evaluated: 2023-08-05. Review status: criteria provided, single submitter. Criteria: Invitae Variant Classification Sherloc (09022015). Collection method: clinical testing. Allele origin: germline.
Comment: This variant is not present in population databases (gnomAD no frequency). This sequence change falls in intron 61 of the ATM gene. It does not directly change the encoded amino acid sequence of the ATM protein. This variant has not been reported in the literature in individuals affected with ATM-related conditions. In summary, the available evidence is currently insufficient to determine the role of this variant in disease. Therefore, it has been classified as a Variant of Uncertain Significance. Algorithms developed to predict the effect of sequence changes on RNA splicing suggest that this variant may create or strengthen a splice site.